The following is an entry in ClinVar:

NM_000051.4(ATM):c.8508delinsTTT (p.Met2836fs)

Genes: ATM (ATM serine/threonine kinase; plus strand), C11orf65 (chromosome 11 open reading frame 65; minus strand). Cytogenetic location: 11q22.3.
Variant type: Indel.
Coding change: c.8508delinsTTT on transcript NM_000051.4 (MANE Select); coding-DNA position 8508, G replaced by TTT.
Protein change: p.Met2836fs; shifts the reading frame from methionine 2836.
Molecular consequence: frameshift variant. On other transcripts: intron variant (2).
Genome position (GRCh38, 1-based): chr11:108,345,832, G replaced by TTT. VCF-style: chr11-108345832-G-TTT. GRCh37 (hg19) VCF-style: chr11-108216559-G-TTT.
Other names: c.8508delinsTTT, p.Met2836fs (NM_001351834.2); c.641-36761delinsAAA (NM_001330368.2); c.695-10540delinsAAA (NM_001351110.2); short protein forms M2836fs.
Identifiers: ClinVar variation 3148476 (VCV003148476.1), dbSNP rs2547444444, ClinGen allele CA2825001980.

ClinVar aggregate classification (germline): Pathogenic (1 of 4 stars; one submission).

Conditions:
Familial cancer of breast. Also called: hereditary breast carcinoma; BREAST CANCER, FAMILIAL; Hereditary breast cancer. Identifiers: Orphanet 227535, MedGen C0346153, MONDO:0016419, OMIM 114480. Disease mechanism: loss of function.

Submission:

Myriad Genetics, Inc.
Classification: Pathogenic for Familial cancer of breast. Last evaluated: 2024-02-02. Review status: criteria provided, single submitter. Criteria: Myriad Autosomal Dominant, Autosomal Recessive and X-Linked Classification Criteria (2023). Collection method: clinical testing. Allele origin: unknown.
Comment: This variant is considered pathogenic. This variant creates a frameshift predicted to result in premature protein truncation.